The following is an entry in ClinVar:

NM_004408.4(DNM1):c.710G>A (p.Arg237Gln)

Gene: DNM1 (dynamin 1; plus strand). Cytogenetic location: 9q34.11.
Variant type: single nucleotide variant.
Coding change: c.710G>A on transcript NM_004408.4 (MANE Select); coding-DNA position 710, G replaced by A.
Protein change: p.Arg237Gln; replaces arginine 237 with glutamine.
Molecular consequence: missense variant.
Genome position (GRCh38, 1-based): chr9:128,220,202, G>A. VCF-style: chr9-128220202-G-A. GRCh37 (hg19) VCF-style: chr9-130982481-G-A.
Other names: c.710G>A, p.Arg237Gln (NM_001005336.3, NM_001288737.2, NM_001288738.2 and 2 more transcripts); short protein forms R237Q.
Identifiers: ClinVar variation 5007391 (VCV005007391.2).

ClinVar aggregate classification (germline): Uncertain significance (1 of 4 stars; one submission).

Conditions:
Developmental and epileptic encephalopathy, 31B. Also called: Developmental and epileptic encephalopathy 31B, autosomal recessive. Identifiers: MedGen C5830459, MONDO:0957248, OMIM 620352.
Developmental and epileptic encephalopathy, 31A. Also called: Epileptic encephalopathy, early infantile, 31; Developmental and epileptic encephalopathy, 31. Identifiers: Orphanet 2382, MedGen C4225357, MONDO:0014598, OMIM 616346.

Submission:

Juno Genomics, Hangzhou Juno Genomics, Inc
Classification: Uncertain significance for Developmental and epileptic encephalopathy, 31A; Developmental and epileptic encephalopathy, 31B. Review status: criteria provided, single submitter. Criteria: ACMG Guidelines, 2015. Collection method: clinical testing. Allele origin: germline.
Comment: Absent from controls (or at extremely low frequency if recessive) in Genome Aggregation Database.;Novel missense change at an amino acid residue where a different missense change determined to be pathogenic has been seen before.;Multiple lines of computational evidence support a deleterious effect on the gene or gene product.;Missense variant in a gene that has a low rate of benign missense variation.